The following is an entry in ClinVar:

ClinVar aggregate classification (germline): Uncertain significance (1 of 4 stars; one submission).

Conditions:
Cardiovascular phenotype. Identifiers: MedGen CN230736.

Submission:

Ambry Genetics
Classification: Uncertain significance for Cardiovascular phenotype. Last evaluated: 2022-05-09. Review status: criteria provided, single submitter. Criteria: Ambry Variant Classification Scheme 2023. Collection method: clinical testing. Allele origin: germline.
Comment: The p.M49L variant (also known as c.145A>C), located in coding exon 3 of the TRPM4 gene, results from an A to C substitution at nucleotide position 145. The methionine at codon 49 is replaced by leucine, an amino acid with highly similar properties. This amino acid position is conserved. In addition, this alteration is predicted to be tolerated by in silico analysis. Since supporting evidence is limited at this time, the clinical significance of this alteration remains unclear.

NM_017636.4(TRPM4):c.145A>C (p.Met49Leu)

Gene: TRPM4 (transient receptor potential cation channel subfamily M member 4; plus strand). Cytogenetic location: 19q13.33.
Variant type: single nucleotide variant.
Coding change: c.145A>C on transcript NM_017636.4 (MANE Select); coding-DNA position 145, A replaced by C.
Protein change: p.Met49Leu; replaces methionine 49 with leucine.
Molecular consequence: missense variant. On other transcripts: 5 prime UTR variant (1), intron variant (2).
Genome position (GRCh38, 1-based): chr19:49,166,093, A>C. VCF-style: chr19-49166093-A-C. GRCh37 (hg19) VCF-style: chr19-49669350-A-C.
Other names: c.145A>C, p.Met49Leu (NM_001195227.2, NM_001321281.2); c.-1228A>C (NM_001321282.2); c.-74-2167A>C (NM_001321283.2); c.-237-2460A>C (NM_001321285.2); short protein forms M49L.
Identifiers: ClinVar variation 1773113 (VCV001773113.2), dbSNP rs932987690, ClinGen allele CA406789440.